The following is an entry in ClinVar:

ClinVar aggregate classification (germline): Likely benign. Review status: criteria provided, multiple submitters, no conflicts (2 of 4 stars). 2 submissions from 2 submitters: Likely benign (2). Last evaluated 2026-05-11.

Conditions:
Neurofibromatosis, type 1 (NF1). Also called: VON RECKLINGHAUSEN DISEASE; Neurofibromatosis, type I; NEUROFIBROMATOSIS, TYPE I, SOMATIC; Peripheral type neurofibromatosis. Identifiers: Orphanet 636, MedGen C0027831, MONDO:0018975, OMIM 162200. Disease mechanism: loss of function.

gnomAD v4.1: 1 of 1,539,068 alleles (0.000065%); no homozygotes.

Submissions (2):

Myriad Genetics, Inc.
Classification: Likely benign for Neurofibromatosis, type 1. Last evaluated: 2026-05-11. Review status: criteria provided, single submitter. Criteria: Myriad Autosomal Dominant, Autosomal Recessive and X-Linked Classification Criteria (2023). Collection method: clinical testing. Allele origin: unknown.
Comment: This variant is considered likely benign. This variant is intronic and is not expected to impact mRNA splicing.

Labcorp Genetics (formerly Invitae), Labcorp
Classification: Likely benign for Neurofibromatosis, type 1. Last evaluated: 2021-10-10. Review status: criteria provided, single submitter. Criteria: Invitae Variant Classification Sherloc (09022015). Collection method: clinical testing. Allele origin: germline.

NM_001042492.3(NF1):c.60+7G>A

Genes: MIR4733HG (MIR4733 host gene; minus strand), NF1 (neurofibromin 1; plus strand), LOC111811965 (NF1 (neurofibromin 1) promoter region; plus strand). Cytogenetic location: 17q11.2.
Variant type: single nucleotide variant.
Coding change: c.60+7G>A on transcript NM_001042492.3 (MANE Select); 7 bases into the intron after coding-DNA position 60, G replaced by A.
Molecular consequence: intron variant. On other transcripts: non-coding transcript variant (1).
Genome position (GRCh38, 1-based): chr17:31,095,376, G>A. VCF-style: chr17-31095376-G-A. GRCh37 (hg19) VCF-style: chr17-29422394-G-A.
Other names: c.60+7G>A (NM_000267.4, NM_001128147.3).
Identifiers: ClinVar variation 1609594 (VCV001609594.9), dbSNP rs1060503895, ClinGen allele CA499197557.
Genomic context (GRCh38, chr17:31,095,376, plus strand): 5'-GCGCACAGGCCGGTGGAATGGGTCCAGGCCGTGGTCAGCCGCTTCGACGAGCAGGTAACC[G>A]GCCCGTGGCGGGCGGGAGGTGGGAGCGGAGTGGGGGTGGGGACAGAGTAGGTGAGGGGAG-3'